The following is an entry in ClinVar:

ClinVar aggregate classification (germline): Uncertain significance. Review status: criteria provided, multiple submitters, no conflicts (2 of 4 stars). 3 submissions from 3 submitters: Uncertain significance (2). 1 of the submissions does not count toward it. Last evaluated 2024-07-14.

Conditions:
SETX-related disorder. Also called: SETX-related condition; SETX-related disorders. Identifiers: MedGen CN239403.
Inborn genetic diseases. Identifiers: MedGen C0950123, MeSH D030342.
Amyotrophic lateral sclerosis type 4 (ALS4). Also called: NEURONOPATHY, DISTAL HEREDITARY MOTOR, WITH PYRAMIDAL FEATURES; AMYOTROPHIC LATERAL SCLEROSIS 4, JUVENILE. Identifiers: Orphanet 357043, MedGen C1865409, MONDO:0011223, OMIM 602433.
Spinocerebellar ataxia, autosomal recessive, with axonal neuropathy 2 (SCAN2). Also called: Ataxia with Oculomotor Apraxia; Ataxia with Oculomotor Apraxia Type 2; Ataxia-ocular apraxia-2; ATAXIA-OCULOMOTOR APRAXIA 2. Identifiers: Orphanet 64753, MedGen C1853761, MONDO:0018996, OMIM 606002.

Allele frequency attached by ClinVar (database versions not stated): gnomAD exomes below 0.00001; TOPMed below 0.00001.

Submissions (3):

Ambry Genetics
Classification: Uncertain significance for Inborn genetic diseases. Last evaluated: 2024-07-14. Review status: criteria provided, single submitter. Criteria: Ambry Variant Classification Scheme 2023. Collection method: clinical testing. Allele origin: germline.

Labcorp Genetics (formerly Invitae), Labcorp
Classification: Uncertain significance for Amyotrophic lateral sclerosis type 4; Spinocerebellar ataxia, autosomal recessive, with axonal neuropathy 2. Last evaluated: 2024-01-24. Review status: criteria provided, single submitter. Criteria: Invitae Variant Classification Sherloc (09022015). Collection method: clinical testing. Allele origin: germline.
Comment: This sequence change replaces isoleucine, which is neutral and non-polar, with threonine, which is neutral and polar, at codon 664 of the SETX protein (p.Ile664Thr). This variant is not present in population databases (gnomAD no frequency). This variant has not been reported in the literature in individuals affected with SETX-related conditions. Advanced modeling of protein sequence and biophysical properties (such as structural, functional, and spatial information, amino acid conservation, physicochemical variation, residue mobility, and thermodynamic stability) performed at Invitae indicates that this missense variant is not expected to disrupt SETX protein function with a negative predictive value of 95%. In summary, the available evidence is currently insufficient to determine the role of this variant in disease. Therefore, it has been classified as a Variant of Uncertain Significance.

PreventionGenetics, part of Exact Sciences
Classification: Uncertain significance for SETX-related condition. Last evaluated: 2024-04-04. Review status: no assertion criteria provided. Collection method: clinical testing. Allele origin: germline. Not counted in ClinVar's aggregate classification.
Comment: The SETX c.1991T>C variant is predicted to result in the amino acid substitution p.Ile664Thr. To our knowledge, this variant has not been reported in the literature or in gnomAD, indicating this variant is rare. At this time, the clinical significance of this variant is uncertain due to the absence of conclusive functional and genetic evidence.

NM_015046.7(SETX):c.1991T>C (p.Ile664Thr)

Gene: SETX (senataxin; minus strand). Cytogenetic location: 9q34.13.
Variant type: single nucleotide variant.
Coding change: c.1991T>C on transcript NM_015046.7 (MANE Select); coding-DNA position 1991, T replaced by C.
Protein change: p.Ile664Thr; replaces isoleucine 664 with threonine.
Molecular consequence: missense variant.
Genome position (GRCh38, 1-based): chr9:132,329,607, A>G on the plus strand (T>C on the coding strand, the complement: SETX is on the minus strand). VCF-style: chr9-132329607-A-G. GRCh37 (hg19) VCF-style: chr9-135204994-A-G.
Other names: c.1991T>C, p.Ile664Thr (NM_001351527.2, NM_001351528.2); short protein forms I664T.
Identifiers: ClinVar variation 2927383 (VCV002927383.5), dbSNP rs1847091204, ClinGen allele CA375337222.